The following is an entry in ClinVar:

ClinVar aggregate classification (germline): Likely benign. Review status: criteria provided, multiple submitters, no conflicts (2 of 4 stars). 4 submissions from 4 submitters: Likely benign (3). 1 of the submissions does not count toward it. Last evaluated 2025-09-09.

Conditions:
MCM2-related disorder. Also called: MCM2-related condition.

Allele frequency attached by ClinVar (database versions not stated): ExAC 0.00042; gnomAD 0.00046; gnomAD exomes 0.00049 and 0.00104; TOPMed 0.00053; ESP Exome Variant Server 0.00077.
gnomAD v4.1: 1,592 of 1,614,178 alleles (0.099%); highest among the groups gnomAD compares: Non-Finnish European, 0.13%; 1 homozygote.

Submissions (4):

Labcorp Genetics (formerly Invitae), Labcorp
Classification: Likely benign. Last evaluated: 2025-09-09. Review status: criteria provided, single submitter. Criteria: Invitae Variant Classification Sherloc (09022015). Collection method: clinical testing. Allele origin: germline.

Blueprint Genetics
Classification: Likely benign. Last evaluated: 2024-11-05. Review status: criteria provided, single submitter. Criteria: ACMG Guidelines, 2015. Collection method: clinical testing. Allele origin: germline.

GeneDx
Classification: Likely benign. Last evaluated: 2021-04-05. Review status: criteria provided, single submitter. Criteria: GeneDx Variant Classification Process June 2021. Collection method: clinical testing. Allele origin: germline. Affected: yes.

PreventionGenetics, part of Exact Sciences
Classification: Likely benign for MCM2-related condition. Last evaluated: 2022-06-21. Review status: no assertion criteria provided. Collection method: clinical testing. Allele origin: germline. Not counted in ClinVar's aggregate classification.
Comment: This variant is classified as likely benign based on ACMG/AMP sequence variant interpretation guidelines (Richards et al. 2015 PMID: 25741868, with internal and published modifications).

NM_004526.4(MCM2):c.934G>C (p.Val312Leu)

Gene: MCM2 (minichromosome maintenance complex component 2; plus strand). Cytogenetic location: 3q21.3.
Variant type: single nucleotide variant.
Coding change: c.934G>C on transcript NM_004526.4 (MANE Select); coding-DNA position 934, G replaced by C.
Protein change: p.Val312Leu; replaces valine 312 with leucine.
Molecular consequence: missense variant. On other transcripts: non-coding transcript variant (1).
Genome position (GRCh38, 1-based): chr3:127,606,650, G>C. VCF-style: chr3-127606650-G-C. GRCh37 (hg19) VCF-style: chr3-127325493-G-C.
Other names: short protein forms V312L.
Identifiers: ClinVar variation 1317139 (VCV001317139.10), dbSNP rs141867973, ClinGen allele CA2595753.